The following is an entry in ClinVar:

ClinVar aggregate classification (germline): Uncertain significance (1 of 4 stars; one submission).

Submission:

GeneDx
Classification: Uncertain significance. Last evaluated: 2019-09-11. Review status: criteria provided, single submitter. Criteria: GeneDx Variant Classification Process June 2021. Collection method: clinical testing. Allele origin: germline. Affected: yes.
Comment: Not observed in large population cohorts (Lek et al., 2016); In silico analysis, which includes protein predictors and evolutionary conservation, supports a deleterious effect; Has not been previously published as pathogenic or benign to our knowledge

NM_001080517.3(SETD5):c.1097A>T (p.Asp366Val)

Gene: SETD5 (SET domain containing 5; plus strand). Cytogenetic location: 3p25.3.
Variant type: single nucleotide variant.
Coding change: c.1097A>T on transcript NM_001080517.3 (MANE Select); coding-DNA position 1097, A replaced by T.
Protein change: p.Asp366Val; replaces aspartic acid 366 with valine.
Molecular consequence: missense variant.
Genome position (GRCh38, 1-based): chr3:9,443,327, A>T. VCF-style: chr3-9443327-A-T. GRCh37 (hg19) VCF-style: chr3-9485011-A-T.
Other names: c.803A>T, p.Asp268Val (NM_001292043.2, NM_001349451.2); short protein forms D268V, D366V.
Identifiers: ClinVar variation 1312090 (VCV001312090.2), dbSNP rs2125212189, ClinGen allele CA351689974.